The following is an entry in ClinVar:

NM_152384.3(BBS5):c.593A>G (p.Asn198Ser)

Gene: BBS5 (Bardet-Biedl syndrome 5; plus strand). Cytogenetic location: 2q31.1.
Variant type: single nucleotide variant.
Coding change: c.593A>G on transcript NM_152384.3 (MANE Select); coding-DNA position 593, A replaced by G.
Protein change: p.Asn198Ser; replaces asparagine 198 with serine.
Molecular consequence: missense variant.
Genome position (GRCh38, 1-based): chr2:169,493,811, A>G. VCF-style: chr2-169493811-A-G. GRCh37 (hg19) VCF-style: chr2-170350321-A-G.
Other names: p.Asn198Ser; short protein forms N198S.
Identifiers: ClinVar variation 841782 (VCV000841782.11), dbSNP rs369075832, ClinGen allele CA1956239.

ClinVar aggregate classification (germline): Conflicting classifications of pathogenicity. Review status: criteria provided, conflicting classifications (1 of 4 stars). 8 submissions from 8 submitters: Uncertain significance (6); Likely benign (2). Last evaluated 2025-07-01.

Conditions:
Bardet-Biedl syndrome 5 (BBS5). Identifiers: Orphanet 110, MedGen C3892039, MONDO:0014434, OMIM 615983.
BBS5-related disorder. Also called: BBS5-related condition.
Bardet-Biedl syndrome (BBS). Identifiers: Orphanet 110, MedGen C0752166, MONDO:0015229.
Inborn genetic diseases. Identifiers: MedGen C0950123, MeSH D030342.

Allele frequency attached by ClinVar (database versions not stated): gnomAD 0.00007; gnomAD exomes 0.00007 and 0.00010; TOPMed 0.00007; ESP Exome Variant Server 0.00008; ExAC 0.00010.
gnomAD v4.1: 114 of 1,606,644 alleles (0.0071%); highest among the groups gnomAD compares: Non-Finnish European, 0.0024%; 1 homozygote.

Submissions (8):

PreventionGenetics, part of Exact Sciences
Classification: Likely benign for BBS5-related condition. Last evaluated: 2025-07-01. Review status: criteria provided, single submitter. Criteria: ACMG Guidelines, 2015. Collection method: clinical testing. Allele origin: germline.
Comment: This variant is classified as likely benign based on ACMG/AMP sequence variant interpretation guidelines (Richards et al. 2015 PMID: 25741868, with internal and published modifications).

Mayo Clinic Laboratories, Mayo Clinic
Classification: Uncertain significance. Last evaluated: 2025-03-07. Review status: criteria provided, single submitter. Criteria: ACMG Guidelines, 2015. Collection method: clinical testing. Allele origin: germline. Observed: 1 variant allele.
Comment: PP3_moderate

Blueprint Genetics
Classification: Uncertain significance. Last evaluated: 2024-11-15. Review status: criteria provided, single submitter. Criteria: ACMG Guidelines, 2015. Collection method: clinical testing. Allele origin: germline.

Victorian Clinical Genetics Services, Murdoch Childrens Research Institute
Classification: Uncertain significance for Bardet-Biedl syndrome 5. Last evaluated: 2023-12-21. Review status: criteria provided, single submitter. Criteria: ACMG Guidelines, 2015. Collection method: clinical testing. Allele origin: germline. Inheritance: Autosomal recessive inheritance. Affected: yes.
Comment: Based on the classification scheme VCGS_Germline_v1.3.4, this variant is classified as VUS-3C. Following criteria are met: 0102 - Loss of function is a known mechanism of disease in this gene and is associated with Bardet-Biedl syndrome 5 (MIM#615983). (I) 0106 - This gene is associated with autosomal recessive disease. (I) 0200 - Variant is predicted to result in a missense amino acid change from asparagine to serine. (I) 0252 - This variant is homozygous. (I) 0304 - Variant is present in gnomAD (v2) <0.01 for a recessive condition (25 heterozygotes, 0 homozygotes). (SP) 0501 - Missense variant consistently predicted to be damaging by multiple in silico tools or highly conserved with a major amino acid change. (SP) 0600 - Variant is located in the annotated Bardet-Biedl syndrome 5 protein domain (DECIPHER). (I) 0705 - No comparable missense variants have previous evidence for pathogenicity. (I) 0808 - Previous reports of pathogenicity for this variant are conflicting. This variant has been classified as a VUS by several clinical laboratories in Clinvar, and has also been classified as likely benign by another. (I) 0905 - No published segregation evidence has been identified for this variant. (I) 1007 - No published functional evidence has been identified for this variant. (I) Legend: (SP) - Supporting pathogenic, (I) - Information, (SB) - Supporting benign

Labcorp Genetics (formerly Invitae), Labcorp
Classification: Uncertain significance for Bardet-Biedl syndrome. Last evaluated: 2022-10-05. Review status: criteria provided, single submitter. Criteria: Invitae Variant Classification Sherloc (09022015). Collection method: clinical testing. Allele origin: germline.
Comment: This sequence change replaces asparagine, which is neutral and polar, with serine, which is neutral and polar, at codon 198 of the BBS5 protein (p.Asn198Ser). This variant is present in population databases (rs369075832, gnomAD 0.2%). This variant has not been reported in the literature in individuals affected with BBS5-related conditions. ClinVar contains an entry for this variant (Variation ID: 841782). Advanced modeling of protein sequence and biophysical properties (such as structural, functional, and spatial information, amino acid conservation, physicochemical variation, residue mobility, and thermodynamic stability) performed at Invitae indicates that this missense variant is expected to disrupt BBS5 protein function. Algorithms developed to predict the effect of sequence changes on RNA splicing suggest that this variant may disrupt the consensus splice site. In summary, the available evidence is currently insufficient to determine the role of this variant in disease. Therefore, it has been classified as a Variant of Uncertain Significance.

Ambry Genetics
Classification: Likely benign for Inborn genetic diseases. Last evaluated: 2022-03-10. Review status: criteria provided, single submitter. Criteria: Ambry Variant Classification Scheme 2023. Collection method: clinical testing. Allele origin: germline.

Fulgent Genetics
Classification: Uncertain significance for Bardet-Biedl syndrome 5. Last evaluated: 2021-12-14. Review status: criteria provided, single submitter. Criteria: ACMG Guidelines, 2015. Collection method: clinical testing. Allele origin: unknown.

New York Genome Center
Classification: Uncertain significance for Bardet-Biedl syndrome 5. Last evaluated: 2021-12-09. Review status: criteria provided, single submitter. Criteria: NYGC Assertion Criteria 2020. Collection method: clinical testing. Allele origin: germline. Observed: 2 heterozygotes. Clinical features observed: Hyperlipidemia (HP:0003077), Diabetes mellitus (HP:0000819), Type 2 diabetes mellitus (HP:0005978).